The following is an entry in ClinVar:

ClinVar aggregate classification (germline): Uncertain significance. Review status: criteria provided, multiple submitters, no conflicts (2 of 4 stars). 2 submissions from 2 submitters: Uncertain significance (2). Last evaluated 2026-01-15.

Conditions:
TRIM23-related disorder. Also called: TRIM23-related condition.

gnomAD v4.1: 2 of 1,613,968 alleles (0.00012%); highest among the groups gnomAD compares: Admixed American, 0.0017%; no homozygotes.

Submissions (2):

PreventionGenetics, part of Exact Sciences
Classification: Uncertain significance for TRIM23-related condition. Last evaluated: 2026-01-15. Review status: criteria provided, single submitter. Criteria: ACMG Guidelines, 2015. Collection method: clinical testing. Allele origin: germline.
Comment: The TRIM23 c.161C>G variant is predicted to result in the amino acid substitution p.Thr54Ser. To our knowledge, this variant has not been reported in the literature or in a large population database (gnomAD), indicating this variant is rare. At this time, the clinical significance of this variant is uncertain due to the absence of conclusive functional and genetic evidence.

Ambry Genetics
Classification: Uncertain significance. Last evaluated: 2024-11-25. Review status: criteria provided, single submitter. Criteria: Ambry Variant Classification Scheme 2023. Collection method: clinical testing. Allele origin: germline.

NM_001656.4(TRIM23):c.161C>G (p.Thr54Ser)

Gene: TRIM23 (tripartite motif containing 23; minus strand). Cytogenetic location: 5q12.3.
Variant type: single nucleotide variant.
Coding change: c.161C>G on transcript NM_001656.4 (MANE Select); coding-DNA position 161, C replaced by G.
Protein change: p.Thr54Ser; replaces threonine 54 with serine.
Molecular consequence: missense variant.
Genome position (GRCh38, 1-based): chr5:65,618,176, G>C on the plus strand (C>G on the coding strand, the complement: TRIM23 is on the minus strand). VCF-style: chr5-65618176-G-C. GRCh37 (hg19) VCF-style: chr5-64914003-G-C.
Other names: c.161C>G, p.Thr54Ser (NM_033227.3, NM_033228.3); short protein forms T54S.
Identifiers: ClinVar variation 3461202 (VCV003461202.2).